The following is an entry in ClinVar:

NM_021625.5(TRPV4):c.2481C>T (p.Pro827=)

Gene: TRPV4 (transient receptor potential cation channel subfamily V member 4; minus strand). Cytogenetic location: 12q24.11.
Variant type: single nucleotide variant.
Coding change: c.2481C>T on transcript NM_021625.5 (MANE Select); coding-DNA position 2481, C replaced by T.
Protein change: p.Pro827=; no amino-acid change (proline 827 retained).
Molecular consequence: synonymous variant.
Genome position (GRCh38, 1-based): chr12:109,783,756, G>A on the plus strand (C>T on the coding strand, the complement: TRPV4 is on the minus strand). VCF-style: chr12-109783756-G-A. GRCh37 (hg19) VCF-style: chr12-110221561-G-A.
Other names: c.2379C>T, p.Pro793= (NM_001177431.2); c.2160C>T, p.Pro720= (NM_001177433.2); c.2301C>T, p.Pro767= (NM_147204.3); c.2340C>T, p.Pro780= (NM_001177428.2).
Identifiers: ClinVar variation 1108213 (VCV001108213.31), dbSNP rs775524996, ClinGen allele CA6779879.
Genomic context (GRCh38, chr12:109,783,756, plus strand): 5'-GCTGTCCAGAGGCACCACCACCTCGTCCGGGTTCGAGTTCTTGTTCAGTTCCACCACGCG[G>A]GGTACCACCGAGGACCAGCGATCTGCACCGAGAGCACATCAGAGGGAGGGGTGGGGGTTG-3'
Protein context (NP_067638.3, residues 817-837): LRRDRWSSVV[Pro827=]RVVELNKNSN

ClinVar aggregate classification (germline): Likely benign. Review status: criteria provided, multiple submitters, no conflicts (2 of 4 stars). 2 submissions from 2 submitters: Likely benign (2). Last evaluated 2024-06-05.

Conditions:
Charcot-Marie-Tooth disease axonal type 2C (HMSN2C). Also called: CHARCOT-MARIE-TOOTH DISEASE, AXONAL, AUTOSOMAL DOMINANT, TYPE 2C; Charcot-Marie-Tooth Neuropathy Type 2C; Charcot-Marie-Tooth Disease Type 2, TRPV4-Related (CMT2C). Identifiers: Orphanet 99937, MedGen C1853710, MONDO:0011633, OMIM 606071.

Allele frequency attached by ClinVar (database versions not stated): gnomAD exomes below 0.00001; ExAC 0.00001.
gnomAD v4.1: 4 of 1,613,242 alleles (0.00025%); highest among the groups gnomAD compares: Non-Finnish European, 0.00017%; no homozygotes.

Submissions (2):

Labcorp Genetics (formerly Invitae), Labcorp
Classification: Likely benign for Charcot-Marie-Tooth disease axonal type 2C. Last evaluated: 2024-06-05. Review status: criteria provided, single submitter. Criteria: Invitae Variant Classification Sherloc (09022015). Collection method: clinical testing. Allele origin: germline.

CeGaT Center for Human Genetics Tuebingen
Classification: Likely benign. Last evaluated: 2022-05-01. Review status: criteria provided, single submitter. Criteria: CeGaT Center For Human Genetics Tuebingen Variant Classification Criteria Version 2. Collection method: clinical testing. Allele origin: germline. Affected: yes. Observed: 1 variant allele.
Comment: TRPV4: BP4, BP7